The following is an entry in ClinVar:

ClinVar aggregate classification (germline): Uncertain significance. Review status: criteria provided, multiple submitters, no conflicts (2 of 4 stars). 2 submissions from 2 submitters: Uncertain significance (2). Last evaluated 2025-07-30.

Conditions:
Charcot-Marie-Tooth disease dominant intermediate E. Also called: CHARCOT-MARIE-TOOTH NEUROPATHY WITH FOCAL SEGMENTAL GLOMERULONEPHRITIS. Identifiers: Orphanet 93114, MedGen C4302667, MONDO:0013758, OMIM 614455.
Focal segmental glomerulosclerosis 5 (FSGS5). Identifiers: Orphanet 656, MedGen C2750475, MONDO:0013191, OMIM 613237.
INF2-related disorder. Also called: INF2-related condition.

Allele frequency attached by ClinVar (database versions not stated): gnomAD exomes below 0.00001; gnomAD 0.00002; TOPMed 0.00003; ExAC 0.00004.
gnomAD v4.1: 5 of 1,590,592 alleles (0.00031%); highest among the groups gnomAD compares: Admixed American, 0.0034%; no homozygotes.

Submissions (2):

PreventionGenetics, part of Exact Sciences
Classification: Uncertain significance for INF2-related condition. Last evaluated: 2025-07-30. Review status: criteria provided, single submitter. Criteria: ACMG Guidelines, 2015. Collection method: clinical testing. Allele origin: germline.
Comment: The INF2 c.951C>A variant is predicted to result in the amino acid substitution p.Ser317Arg. To our knowledge, this variant has not been reported in the literature. This variant is reported in 0.016% of alleles in individuals of African descent in gnomAD. At this time, the clinical significance of this variant is uncertain due to the absence of conclusive functional and genetic evidence.

Labcorp Genetics (formerly Invitae), Labcorp
Classification: Uncertain significance for Charcot-Marie-Tooth disease dominant intermediate E; Focal segmental glomerulosclerosis 5. Last evaluated: 2024-05-06. Review status: criteria provided, single submitter. Criteria: Invitae Variant Classification Sherloc (09022015). Collection method: clinical testing. Allele origin: germline.
Comment: This sequence change replaces serine, which is neutral and polar, with arginine, which is basic and polar, at codon 317 of the INF2 protein (p.Ser317Arg). The frequency data for this variant in the population databases is considered unreliable, as metrics indicate poor data quality at this position in the gnomAD database. This variant has not been reported in the literature in individuals affected with INF2-related conditions. ClinVar contains an entry for this variant (Variation ID: 1042409). Advanced modeling of protein sequence and biophysical properties (such as structural, functional, and spatial information, amino acid conservation, physicochemical variation, residue mobility, and thermodynamic stability) performed at Invitae indicates that this missense variant is not expected to disrupt INF2 protein function with a negative predictive value of 95%. In summary, the available evidence is currently insufficient to determine the role of this variant in disease. Therefore, it has been classified as a Variant of Uncertain Significance.

NM_022489.4(INF2):c.951C>A (p.Ser317Arg)

Gene: INF2 (inverted formin 2; plus strand). Cytogenetic location: 14q32.33.
Variant type: single nucleotide variant.
Coding change: c.951C>A on transcript NM_022489.4 (MANE Select); coding-DNA position 951, C replaced by A.
Protein change: p.Ser317Arg; replaces serine 317 with arginine.
Molecular consequence: missense variant.
Genome position (GRCh38, 1-based): chr14:104,707,017, C>A. VCF-style: chr14-104707017-C-A. GRCh37 (hg19) VCF-style: chr14-105173354-C-A.
Other names: c.951C>A, p.Ser317Arg (NM_001031714.4); c.951C>A (NM_022489.3); short protein forms S317R.
Identifiers: ClinVar variation 1042409 (VCV001042409.9), dbSNP rs763642754, ClinGen allele CA7372470.